The following is an entry in ClinVar:

NC_000023.10:g.(?_32429859)_(32862987_?)del

Gene: DMD (dystrophin; minus strand). Cytogenetic location: Xp21.1.
Variant type: Deletion.
Identifiers: ClinVar variation 1069847 (VCV001069847.7).

ClinVar aggregate classification (germline): Pathogenic (1 of 4 stars; one submission).

Conditions:
Duchenne muscular dystrophy (DMD). Also called: MUSCULAR DYSTROPHY, PSEUDOHYPERTROPHIC PROGRESSIVE, DUCHENNE TYPE; Duchenne Muscular Dystrophy (DMD). Identifiers: Orphanet 98896, MedGen C0013264, MONDO:0010679, OMIM 310200.

Submission:

Labcorp Genetics (formerly Invitae), Labcorp
Classification: Pathogenic for Duchenne muscular dystrophy. Last evaluated: 2022-06-24. Review status: criteria provided, single submitter. Criteria: Invitae Variant Classification Sherloc (09022015). Collection method: clinical testing. Allele origin: germline.
Comment: For these reasons, this variant has been classified as Pathogenic. The region of the DMD gene that includes exon(s) 5 has been determined to be clinically significant (PMID: 12920092, 20031633, 21520333, 24292997, 26745801; Invitae). Therefore, deletions that encompass that region are likely to be disease-causing. A similar copy number variant has been observed in individual(s) with DMD-related conditions (PMID: 19937601). This variant is a gross deletion of the genomic region encompassing exon(s) 4-30 of the DMD gene. This variant would be expected to be in-frame, preserving the integrity of the reading frame.

Literature cited by the submitters: PubMed 12920092; PubMed 20031633; PubMed 21520333; PubMed 24292997; PubMed 26745801; PubMed 19937601.